The following is an entry in ClinVar:

ClinVar aggregate classification (germline): Uncertain significance (1 of 4 stars; one submission).

Submission:

GeneDx
Classification: Uncertain significance. Last evaluated: 2024-08-05. Review status: criteria provided, single submitter. Criteria: GeneDx Variant Classification Process June 2021. Collection method: clinical testing. Allele origin: germline. Affected: yes.
Comment: Not observed at significant frequency in large population cohorts (gnomAD); In silico analysis indicates that this missense variant does not alter protein structure/function; Has not been previously published as pathogenic or benign to our knowledge

NM_005334.3(HCFC1):c.4585G>A (p.Gly1529Arg)

Gene: HCFC1 (host cell factor C1; minus strand). Cytogenetic location: Xq28.
Variant type: single nucleotide variant.
Coding change: c.4585G>A on transcript NM_005334.3 (MANE Select); coding-DNA position 4585, G replaced by A.
Protein change: p.Gly1529Arg; replaces glycine 1529 with arginine.
Molecular consequence: missense variant.
Genome position (GRCh38, 1-based): chrX:153,952,871, C>T on the plus strand (G>A on the coding strand, the complement: HCFC1 is on the minus strand). VCF-style: chrX-153952871-C-T. GRCh37 (hg19) VCF-style: chrX-153218322-C-T.
Other names: c.4717G>A, p.Gly1573Arg (NM_001410705.1); short protein forms G1529R, G1573R.
Identifiers: ClinVar variation 3602923 (VCV003602923.1).
Genomic context (GRCh38, chrX:153,952,871, plus strand): 5'-GATCCACGGCGGCCGGGAGCTCAGGGGTCTGGGAGGCTGACAGGACCTCGGCGGACTCCC[C>T]CATCAGGGCTGTGGAAGCCGACTGCAGAAGCTGCCGTGGCGGCAGCTGCTGGCGAGGACC-3'
Protein context (NP_005325.2, residues 1519-1539): LLQSASTALM[Gly1529Arg]ESAEVLSASQ